The following is an entry in ClinVar:

NM_014921.5(ADGRL1):c.4164C>G (p.Asp1388Glu)

Genes: ADGRL1 (adhesion G protein-coupled receptor L1; minus strand), ADGRL1-AS1 (ADGRL1 antisense RNA 1; plus strand). Cytogenetic location: 19p13.12.
Variant type: single nucleotide variant.
Coding change: c.4164C>G on transcript NM_014921.5 (MANE Select); coding-DNA position 4164, C replaced by G.
Protein change: p.Asp1388Glu; replaces aspartic acid 1388 with glutamic acid.
Molecular consequence: missense variant.
Genome position (GRCh38, 1-based): chr19:14,151,119, G>C on the plus strand (C>G on the coding strand, the complement: ADGRL1 is on the minus strand). VCF-style: chr19-14151119-G-C. GRCh37 (hg19) VCF-style: chr19-14261931-G-C.
Other names: c.4179C>G, p.Asp1393Glu (NM_001008701.3); short protein forms D1388E, D1393E.
Identifiers: ClinVar variation 4891439 (VCV004891439.1).

ClinVar aggregate classification (germline): Uncertain significance (1 of 4 stars; one submission).

Submission:

GeneDx
Classification: Uncertain significance. Last evaluated: 2023-12-21. Review status: criteria provided, single submitter. Criteria: GeneDx Variant Classification Process June 2021. Collection method: clinical testing. Allele origin: germline.
Comment: Not observed at significant frequency in large population cohorts (gnomAD); In silico analysis supports that this missense variant does not alter protein structure/function; Has not been previously published as pathogenic or benign to our knowledge; Variants in candidate genes are classified as variants of uncertain significance in accordance with ACMG guidelines (PMID: 25741868)